The following is an entry in ClinVar:

NM_022787.4(NMNAT1):c.473A>T (p.Asp158Val)

Gene: NMNAT1 (nicotinamide nucleotide adenylyltransferase 1; plus strand). Cytogenetic location: 1p36.22.
Variant type: single nucleotide variant.
Coding change: c.473A>T on transcript NM_022787.4 (MANE Select); coding-DNA position 473, A replaced by T.
Protein change: p.Asp158Val; replaces aspartic acid 158 with valine.
Molecular consequence: missense variant.
Genome position (GRCh38, 1-based): chr1:9,982,334, A>T. VCF-style: chr1-9982334-A-T. GRCh37 (hg19) VCF-style: chr1-10042392-A-T.
Other names: c.473A>T, p.Asp158Val (NM_001297778.1); short protein forms D158V.
Identifiers: ClinVar variation 934385 (VCV000934385.7), dbSNP rs1471406235, ClinGen allele CA338686492.

ClinVar aggregate classification (germline): Uncertain significance. Review status: criteria provided, multiple submitters, no conflicts (2 of 4 stars). 2 submissions from 2 submitters: Uncertain significance (2). Last evaluated 2022-08-25.

Conditions:
Leber congenital amaurosis 9 (LCA9). Also called: LCA9 Leber Congenital Amaurosis; LCA 9; Amaurosis congenita of Leber, type 9. Identifiers: Orphanet 65, MedGen C1837873, MONDO:0012056, OMIM 608553.

Allele frequency attached by ClinVar (database versions not stated): gnomAD 0.00001; TOPMed 0.00001.
gnomAD v4.1: 1 of 1,613,920 alleles (0.000062%); highest among the groups gnomAD compares: Non-Finnish European, 0.000085%; no homozygotes.

Submissions (2):

Blueprint Genetics
Classification: Uncertain significance. Last evaluated: 2022-08-25. Review status: criteria provided, single submitter. Criteria: ACMG Guidelines, 2015. Collection method: clinical testing. Allele origin: germline.

Labcorp Genetics (formerly Invitae), Labcorp
Classification: Uncertain significance for Leber congenital amaurosis 9. Last evaluated: 2019-08-31. Review status: criteria provided, single submitter. Criteria: Invitae Variant Classification Sherloc (09022015). Collection method: clinical testing. Allele origin: germline.
Comment: Algorithms developed to predict the effect of missense changes on protein structure and function are either unavailable or do not agree on the potential impact of this missense change (SIFT: "Deleterious"; PolyPhen-2: "Probably Damaging"; Align-GVGD: "Class C15"). This variant has not been reported in the literature in individuals with NMNAT1-related conditions. This variant is not present in population databases (ExAC no frequency). This sequence change replaces aspartic acid with valine at codon 158 of the NMNAT1 protein (p.Asp158Val). The aspartic acid residue is highly conserved and there is a large physicochemical difference between aspartic acid and valine. In summary, the available evidence is currently insufficient to determine the role of this variant in disease. Therefore, it has been classified as a Variant of Uncertain Significance.